The following is an entry in ClinVar:

ClinVar aggregate classification (germline): Likely benign (1 of 4 stars; one submission).

Submission:

CeGaT Center for Human Genetics Tuebingen
Classification: Likely benign. Last evaluated: 2022-10-01. Review status: criteria provided, single submitter. Criteria: CeGaT Center For Human Genetics Tuebingen Variant Classification Criteria Version 2. Collection method: clinical testing. Allele origin: germline. Affected: yes. Observed: 1 variant allele.
Comment: SLC25A29: BP4, BP7

NM_001039355.3(SLC25A29):c.519C>T (p.Asp173=)

Gene: SLC25A29 (solute carrier family 25 member 29; minus strand). Cytogenetic location: 14q32.2.
Variant type: single nucleotide variant.
Coding change: c.519C>T on transcript NM_001039355.3 (MANE Select); coding-DNA position 519, C replaced by T.
Protein change: p.Asp173=; no amino-acid change (aspartic acid 173 retained).
Molecular consequence: synonymous variant.
Genome position (GRCh38, 1-based): chr14:100,292,676, G>A on the plus strand (C>T on the coding strand, the complement: SLC25A29 is on the minus strand). VCF-style: chr14-100292676-G-A. GRCh37 (hg19) VCF-style: chr14-100759013-G-A.
Other names: c.321C>T, p.Asp107= (NM_001291813.2, NM_001291814.2, NM_001352820.2 and 3 more transcripts); c.678C>T, p.Asp226= (NM_001352821.2).
Identifiers: ClinVar variation 2644523 (VCV002644523.24), dbSNP rs1442057148, ClinGen allele CA488177726.